The following is an entry in ClinVar:

NM_000400.4(ERCC2):c.1353C>G (p.Phe451Leu)

Gene: ERCC2 (ERCC excision repair 2, TFIIH core complex helicase subunit; minus strand). Cytogenetic location: 19q13.32.
Variant type: single nucleotide variant.
Coding change: c.1353C>G on transcript NM_000400.4 (MANE Select); coding-DNA position 1353, C replaced by G.
Protein change: p.Phe451Leu; replaces phenylalanine 451 with leucine.
Molecular consequence: missense variant.
Genome position (GRCh38, 1-based): chr19:45,357,498, G>C on the plus strand (C>G on the coding strand, the complement: ERCC2 is on the minus strand). VCF-style: chr19-45357498-G-C. GRCh37 (hg19) VCF-style: chr19-45860756-G-C.
Other names: short protein forms F451L.
Identifiers: ClinVar variation 2452353 (VCV002452353.2), dbSNP rs2514013295, ClinGen allele CA406367505.

ClinVar aggregate classification (germline): Uncertain significance (1 of 4 stars; one submission).

Conditions:
Inborn genetic diseases. Identifiers: MedGen C0950123, MeSH D030342.

Submission:

Ambry Genetics
Classification: Uncertain significance for Inborn genetic diseases. Last evaluated: 2022-12-23. Review status: criteria provided, single submitter. Criteria: Ambry Variant Classification Scheme 2023. Collection method: clinical testing. Allele origin: germline.
Comment: The p.F451L variant (also known as c.1353C>G), located in coding exon 14 of the ERCC2 gene, results from a C to G substitution at nucleotide position 1353. The phenylalanine at codon 451 is replaced by leucine, an amino acid with highly similar properties. This amino acid position is conserved. In addition, the in silico prediction for this alteration is inconclusive. Since supporting evidence is limited at this time, the clinical significance of this alteration remains unclear.